The following is an entry in ClinVar:

ClinVar aggregate classification (germline): Uncertain significance (1 of 4 stars; one submission).

Conditions:
Cardiovascular phenotype. Identifiers: MedGen CN230736.

Allele frequency attached by ClinVar (database versions not stated): gnomAD exomes below 0.00001.
gnomAD v4.1: 1 of 1,572,876 alleles (0.000064%); highest among the groups gnomAD compares: African/African-American, 0.0014%; no homozygotes.

Submission:

Ambry Genetics
Classification: Uncertain significance for Cardiovascular phenotype. Last evaluated: 2023-08-29. Review status: criteria provided, single submitter. Criteria: Ambry Variant Classification Scheme 2023. Collection method: clinical testing. Allele origin: germline.
Comment: The p.P479S variant (also known as c.1435C>T), located in coding exon 8 of the EPHB4 gene, results from a C to T substitution at nucleotide position 1435. The proline at codon 479 is replaced by serine, an amino acid with similar properties. This amino acid position is conserved. In addition, this alteration is predicted to be tolerated by in silico analysis. Since supporting evidence is limited at this time, the clinical significance of this alteration remains unclear.

NM_004444.5(EPHB4):c.1435C>T (p.Pro479Ser)

Gene: EPHB4 (EPH receptor B4; minus strand). Cytogenetic location: 7q22.1.
Variant type: single nucleotide variant.
Coding change: c.1435C>T on transcript NM_004444.5 (MANE Select); coding-DNA position 1435, C replaced by T.
Protein change: p.Pro479Ser; replaces proline 479 with serine.
Molecular consequence: missense variant.
Genome position (GRCh38, 1-based): chr7:100,817,345, G>A on the plus strand (C>T on the coding strand, the complement: EPHB4 is on the minus strand). VCF-style: chr7-100817345-G-A. GRCh37 (hg19) VCF-style: chr7-100414967-G-A.
Other names: short protein forms P479S.
Identifiers: ClinVar variation 2626726 (VCV002626726.2), dbSNP rs1452048089, ClinGen allele CA368573072.